The following is an entry in ClinVar:

NM_018249.6(CDK5RAP2):c.2157C>T (p.Asp719=)

Gene: CDK5RAP2 (CDK5 regulatory subunit associated protein 2; minus strand). Cytogenetic location: 9q33.2.
Variant type: single nucleotide variant.
Coding change: c.2157C>T on transcript NM_018249.6 (MANE Select); coding-DNA position 2157, C replaced by T.
Protein change: p.Asp719=; no amino-acid change (aspartic acid 719 retained).
Molecular consequence: synonymous variant. On other transcripts: non-coding transcript variant (5), intron variant (1).
Genome position (GRCh38, 1-based): chr9:120,460,617, G>A on the plus strand (C>T on the coding strand, the complement: CDK5RAP2 is on the minus strand). VCF-style: chr9-120460617-G-A. GRCh37 (hg19) VCF-style: chr9-123222895-G-A.
Other names: c.2157C>T, p.Asp719= (NM_001011649.3); c.2103+7243C>T (NM_001272039.2).
Identifiers: ClinVar variation 746554 (VCV000746554.11), dbSNP rs557197716, ClinGen allele CA5214139.
Genomic context (GRCh38, chr9:120,460,617, plus strand): 5'-CTGAAAGGTTCCTACCTCATTACTCTGCTGCAAATGCTGGTCACTCAGGAAATTAATCTC[G>A]TCATCCTCCCCAATTTTGATCGTGTCCTCGTCCTCCTTGCTAGCCAGAAGCTACATGGAG-3'
Protein context (NP_060719.4, residues 709-729): DEDTIKIGED[Asp719=]EINFLSDQHL

ClinVar aggregate classification (germline): Likely benign. Review status: criteria provided, multiple submitters, no conflicts (2 of 4 stars). 3 submissions from 3 submitters: Likely benign (2). 1 of the submissions does not count toward it. Last evaluated 2025-10-06.

Conditions:
CDK5RAP2-related disorder. Also called: CDK5RAP2-related condition.

Allele frequency attached by ClinVar (database versions not stated): gnomAD exomes 0.00003 and 0.00004; ExAC 0.00004; TOPMed 0.00005; gnomAD 0.00009; 1000 Genomes Project 30x 0.00016; 1000 Genomes Project 0.00020.
gnomAD v4.1: 58 of 1,614,060 alleles (0.0036%); highest among the groups gnomAD compares: African/African-American, 0.0093%; no homozygotes.

Submissions (3):

Labcorp Genetics (formerly Invitae), Labcorp
Classification: Likely benign. Last evaluated: 2025-10-06. Review status: criteria provided, single submitter. Criteria: Invitae Variant Classification Sherloc (09022015). Collection method: clinical testing. Allele origin: germline.

Blueprint Genetics
Classification: Likely benign. Last evaluated: 2024-11-25. Review status: criteria provided, single submitter. Criteria: ACMG Guidelines, 2015. Collection method: clinical testing. Allele origin: germline.

PreventionGenetics, part of Exact Sciences
Classification: Likely benign for CDK5RAP2-related condition. Last evaluated: 2019-09-19. Review status: no assertion criteria provided. Collection method: clinical testing. Allele origin: germline. Not counted in ClinVar's aggregate classification.
Comment: This variant is classified as likely benign based on ACMG/AMP sequence variant interpretation guidelines (Richards et al. 2015 PMID: 25741868, with internal and published modifications).